The following is an entry in ClinVar:

ClinVar aggregate classification (germline): Pathogenic (1 of 4 stars; one submission).

Conditions:
Mucolipidosis type II. Also called: Mucolipidosis II Alpha/Beta; ML II ALPHA/BETA; Mucolipidosis 2; ML 2; Inclusion cell disease; Leroy Disease. Identifiers: Orphanet 576, MedGen C2673377, MONDO:0009650, OMIM 252500.
Pseudo-Hurler polydystrophy. Also called: MUCOLIPIDOSIS IIIA; ML III; ML III ALPHA/BETA; Type III Mucolipidosis; Mucolipidosis III Alpha/Beta; ML IIIA. Identifiers: Orphanet 423461, Orphanet 577, MedGen C0033788, MONDO:0018931, OMIM 252600.

Allele frequency attached by ClinVar (database versions not stated): gnomAD exomes below 0.00001.

Submission:

Labcorp Genetics (formerly Invitae), Labcorp
Classification: Pathogenic for Pseudo-Hurler polydystrophy; Mucolipidosis type II. Last evaluated: 2024-02-29. Review status: criteria provided, single submitter. Criteria: Invitae Variant Classification Sherloc (09022015). Collection method: clinical testing. Allele origin: germline.
Comment: This sequence change creates a premature translational stop signal (p.Trp416*) in the GNPTAB gene. It is expected to result in an absent or disrupted protein product. Loss-of-function variants in GNPTAB are known to be pathogenic (PMID: 19617216, 25107912). This variant is present in population databases (no rsID available, gnomAD 0.003%). This premature translational stop signal has been observed in individual(s) with mucolipidosis II/III (PMID: 29872134). ClinVar contains an entry for this variant (Variation ID: 844609). For these reasons, this variant has been classified as Pathogenic.

Literature cited by the submitters: PubMed 19617216; PubMed 25107912; PubMed 29872134.

NM_024312.5(GNPTAB):c.1247G>A (p.Trp416Ter)

Gene: GNPTAB (N-acetylglucosamine-1-phosphate transferase subunits alpha and beta; minus strand). Cytogenetic location: 12q23.2.
Variant type: single nucleotide variant.
Coding change: c.1247G>A on transcript NM_024312.5 (MANE Select); coding-DNA position 1247, G replaced by A.
Protein change: p.Trp416Ter; replaces tryptophan 416 with a stop codon.
Molecular consequence: nonsense.
Genome position (GRCh38, 1-based): chr12:101,770,058, C>T on the plus strand (G>A on the coding strand, the complement: GNPTAB is on the minus strand). VCF-style: chr12-101770058-C-T. GRCh37 (hg19) VCF-style: chr12-102163836-C-T.
Other names: short protein forms W416*.
Identifiers: ClinVar variation 844609 (VCV000844609.9), dbSNP rs1201536920, ClinGen allele CA386302457.